The following is an entry in ClinVar:

ClinVar aggregate classification (germline): Pathogenic (1 of 4 stars; one submission).

Conditions:
Intellectual developmental disorder with dysmorphic facies and ptosis (IDDDFP). Identifiers: Orphanet 698090, MedGen C4310617, MONDO:0015022, OMIM 617333.

Submission:

Dubai Health Genomic Medicine Center, Dubai Health
Classification: Pathogenic for Intellectual developmental disorder with dysmorphic facies and ptosis. Last evaluated: 2024-10-04. Review status: criteria provided, single submitter. Criteria: ACMG Guidelines, 2015. Collection method: research. Allele origin: germline. Affected: yes.
Comment: PVS1,PS2,PM2

NM_001003694.2(BRPF1):c.2345_2346del (p.Asn782fs)

Gene: BRPF1 (bromodomain and PHD finger containing 1; plus strand). Cytogenetic location: 3p25.3.
Variant type: Deletion.
Coding change: c.2345_2346del on transcript NM_001003694.2 (MANE Select); coding-DNA positions 2345 to 2346, 2 bases deleted (AC; older notation c.2345_2346delAC).
Protein change: p.Asn782fs; shifts the reading frame from asparagine 782.
Molecular consequence: frameshift variant. On other transcripts: non-coding transcript variant (1).
Genome position (GRCh38, 1-based): chr3:9,743,611-9,743,612, AC deleted. VCF-style (leftmost placement, unchanged base first): chr3-9743610-AAC-A. GRCh37 (hg19) VCF-style: chr3-9785294-AAC-A.
Other names: c.2327_2328del, p.Asn776fs (NM_001319049.2, NM_004634.3); c.2324_2325del, p.Asn775fs (NM_001319050.2); c.2342_2343del, p.Asn781fs (NM_001410704.1); short protein forms N775fs, N776fs, N781fs, N782fs.
Identifiers: ClinVar variation 3384083 (VCV003384083.1).